The following is an entry in ClinVar:

NM_000317.3(PTS):c.26G>A (p.Arg9His)

Genes: PTS (6-pyruvoyltetrahydropterin synthase; plus strand), LOC130006765 (ATAC-STARR-seq lymphoblastoid silent region 3906; plus strand). Cytogenetic location: 11q23.1.
Variant type: single nucleotide variant.
Coding change: c.26G>A on transcript NM_000317.3 (MANE Select); coding-DNA position 26, G replaced by A.
Protein change: p.Arg9His; replaces arginine 9 with histidine.
Molecular consequence: missense variant.
Genome position (GRCh38, 1-based): chr11:112,226,469, G>A. VCF-style: chr11-112226469-G-A. GRCh37 (hg19) VCF-style: chr11-112097192-G-A.
Other names: short protein forms R9H.
Identifiers: ClinVar variation 552463 (VCV000552463.9), dbSNP rs1213277062, ClinGen allele CA382626385.
Genomic context (GRCh38, chr11:112,226,469, plus strand): 5'-GGTGCCGGCCGAGCACCGCAGACAGCGCCGGGAAGATGAGCACGGAAGGTGGTGGCCGTC[G>A]CTGCCAGGCACAAGTGTCCCGCCGCATCTCCTTCAGCGCGAGCCACCGATTGTACAGGTA-3'
Protein context (NP_000308.1, residues 1-19): MSTEGGGR[Arg9His]CQAQVSRRIS

ClinVar aggregate classification (germline): Pathogenic. Review status: criteria provided, multiple submitters, no conflicts (2 of 4 stars). 3 submissions from 3 submitters: Pathogenic (2). 1 of the submissions does not count toward it. Last evaluated 2025-05-22.

Conditions:
6-Pyruvoyl-tetrahydrobiopterin synthase deficiency. Also called: PTS DEFICIENCY; HYPERPHENYLALANINEMIA, TETRAHYDROBIOPTERIN-DEFICIENT, DUE TO PTS DEFICIENCY; Hyperphenylalanemia, BH4-deficient, A; Hyperphenylalaninemia due to 6-pyruvoyl-tetrahydropterin synthase deficiency; 6-Pyruvoyltetrahydropterin Synthase Deficiency; BH4-deficient hyperphenylalaninemia A. Identifiers: Orphanet 13, Orphanet 238583, MedGen C0878676, MONDO:0009863, OMIM 261640.

Submissions (3):

Women's Health and Genetics/Laboratory Corporation of America, LabCorp
Classification: Pathogenic for 6-Pyruvoyl-tetrahydrobiopterin synthase deficiency. Last evaluated: 2025-05-22. Review status: criteria provided, single submitter. Criteria: LabCorp Variant Classification Summary - May 2015. Collection method: clinical testing. Allele origin: germline.
Comment: Variant summary: PTS c.26G>A (p.Arg9His) results in a non-conservative amino acid change in the encoded protein sequence. Algorithms developed to predict the effect of missense changes on protein structure and function are either unavailable or do not agree on the potential impact of this missense change. The variant allele was found at a frequency of 2.5e-06 in 1581080 control chromosomes (gnomAD v4.1). c.26G>A has been observed in multiple individuals affected with 6-Pyruvoyl-Tetrahydropterin Synthase Deficiency (e.g. Ye_2013, Kuznetcova_2019, Gundorova_2021). These data indicate that the variant is very likely to be associated with disease. The following publications have been ascertained in the context of this evaluation (PMID: 22237589, 23138986, 31332730, 33822819). ClinVar contains an entry for this variant (Variation ID: 552463). Based on the evidence outlined above, the variant was classified as pathogenic.

Labcorp Genetics (formerly Invitae), Labcorp
Classification: Pathogenic for 6-Pyruvoyl-tetrahydrobiopterin synthase deficiency. Last evaluated: 2022-01-12. Review status: criteria provided, single submitter. Criteria: Invitae Variant Classification Sherloc (09022015). Collection method: clinical testing. Allele origin: germline.
Comment: For these reasons, this variant has been classified as Pathogenic. This variant disrupts the p.Arg9 amino acid residue in PTS. Other variant(s) that disrupt this residue have been observed in individuals with PTS-related conditions (PMID: 20059486), which suggests that this may be a clinically significant amino acid residue. Algorithms developed to predict the effect of missense changes on protein structure and function output the following: SIFT: "Tolerated"; PolyPhen-2: "Benign"; Align-GVGD: "Class C0". The histidine amino acid residue is found in multiple mammalian species, which suggests that this missense change does not adversely affect protein function. ClinVar contains an entry for this variant (Variation ID: 552463). This missense change has been observed in individual(s) with tetrahydrobiopterin deficiency (PMID: 22237589, 23138986, 31332730, 33822819). In at least one individual the data is consistent with being in trans (on the opposite chromosome) from a pathogenic variant. The frequency data for this variant in the population databases is considered unreliable, as metrics indicate poor data quality at this position in the gnomAD database. This sequence change replaces arginine, which is basic and polar, with histidine, which is basic and polar, at codon 9 of the PTS protein (p.Arg9His).

Counsyl
Classification: Uncertain significance for 6-Pyruvoyl-tetrahydrobiopterin synthase deficiency. Last evaluated: 2017-06-12. Review status: no assertion criteria provided. Collection method: clinical testing. Allele origin: unknown. Not counted in ClinVar's aggregate classification.

Literature cited by the submitters: PubMed 31332730 (cited by Women's Health and Genetics/Laboratory Corporation of America, LabCorp and Labcorp Genetics (formerly Invitae), Labcorp); PubMed 33822819 (cited by Women's Health and Genetics/Laboratory Corporation of America, LabCorp and Labcorp Genetics (formerly Invitae), Labcorp); PubMed 22237589 (cited by Women's Health and Genetics/Laboratory Corporation of America, LabCorp and Labcorp Genetics (formerly Invitae), Labcorp); PubMed 23138986 (cited by 3 submitters); PubMed 20059486 (cited by Labcorp Genetics (formerly Invitae), Labcorp).